The following is an entry in ClinVar:

ClinVar aggregate classification (germline): Pathogenic (1 of 4 stars; one submission).

Submission:

Labcorp Genetics (formerly Invitae), Labcorp
Classification: Pathogenic. Last evaluated: 2022-10-21. Review status: criteria provided, single submitter. Criteria: Invitae Variant Classification Sherloc (09022015). Collection method: clinical testing. Allele origin: germline.
Comment: This sequence change creates a premature translational stop signal (p.Lys713_Lys714delinsAsn*) in the LEMD3 gene. It is expected to result in an absent or disrupted protein product. Loss-of-function variants in LEMD3 are known to be pathogenic (PMID: 15489854, 19438932). Information on the frequency of this variant in the gnomAD database is not available, as this variant may be reported differently in the database. This variant has not been reported in the literature in individuals affected with LEMD3-related conditions. For these reasons, this variant has been classified as Pathogenic.

Literature cited by the submitters: PubMed 15489854; PubMed 19438932.

NM_014319.5(LEMD3):c.2139_2140delinsCT (p.Lys713_Lys714delinsAsnTer)

Gene: LEMD3 (LEM domain containing 3; plus strand). Cytogenetic location: 12q14.3.
Variant type: Indel.
Coding change: c.2139_2140delinsCT on transcript NM_014319.5 (MANE Select); coding-DNA positions 2139 to 2140, GA replaced by CT.
Protein change: p.Lys713_Lys714delinsAsnTer.
Molecular consequence: nonsense.
Genome position (GRCh38, 1-based): chr12:65,240,921-65,240,922, GA replaced by CT. VCF-style: chr12-65240921-GA-CT. GRCh37 (hg19) VCF-style: chr12-65634701-GA-CT.
Other names: c.2136_2137delinsCT, p.Lys712_Lys713delinsAsnTer (NM_001167614.2).
Identifiers: ClinVar variation 2876086 (VCV002876086.3), dbSNP rs2498908689, ClinGen allele CA2739272180.